The following is an entry in ClinVar:

ClinVar aggregate classification (germline): Uncertain significance. Review status: criteria provided, multiple submitters, no conflicts (2 of 4 stars). 2 submissions from 2 submitters: Uncertain significance (2). Last evaluated 2025-11-19.

Conditions:
Inborn genetic diseases. Identifiers: MedGen C0950123, MeSH D030342.
EAST syndrome (SESAMES). Also called: SEIZURES, SENSORINEURAL DEAFNESS, ATAXIA, IMPAIRED INTELLECTUAL DEVELOPMENT, AND ELECTROLYTE IMBALANCE. Identifiers: Orphanet 199343, MedGen C2748572, MONDO:0013005, OMIM 612780.

Allele frequency attached by ClinVar (database versions not stated): ExAC 0.00001; gnomAD 0.00001; gnomAD exomes 0.00001 and 0.00002; 1000 Genomes Project 0.00020; 1000 Genomes Project 30x 0.00031.
gnomAD v4.1: 17 of 1,587,798 alleles (0.0011%); highest among the groups gnomAD compares: South Asian, 0.01%; no homozygotes.

Submissions (2):

Labcorp Genetics (formerly Invitae), Labcorp
Classification: Uncertain significance for EAST syndrome. Last evaluated: 2025-11-19. Review status: criteria provided, single submitter. Criteria: Invitae Variant Classification Sherloc (09022015). Collection method: clinical testing. Allele origin: germline.
Comment: This sequence change replaces arginine, which is basic and polar, with cysteine, which is neutral and slightly polar, at codon 180 of the KCNJ10 protein (p.Arg180Cys). This variant is present in population databases (rs557187094, gnomAD 0.01%). This variant has not been reported in the literature in individuals affected with KCNJ10-related conditions. ClinVar contains an entry for this variant (Variation ID: 1362565). Invitae Evidence Modeling of protein sequence and biophysical properties (such as structural, functional, and spatial information, amino acid conservation, physicochemical variation, residue mobility, and thermodynamic stability) indicates that this missense variant is not expected to disrupt KCNJ10 protein function with a negative predictive value of 95%. In summary, the available evidence is currently insufficient to determine the role of this variant in disease. Therefore, it has been classified as a Variant of Uncertain Significance.

Ambry Genetics
Classification: Uncertain significance for Inborn genetic diseases. Last evaluated: 2023-02-28. Review status: criteria provided, single submitter. Criteria: Ambry Variant Classification Scheme 2023. Collection method: clinical testing. Allele origin: germline.

NM_002241.5(KCNJ10):c.538C>T (p.Arg180Cys)

Gene: KCNJ10 (potassium inwardly rectifying channel subfamily J member 10; minus strand). Cytogenetic location: 1q23.2.
Variant type: single nucleotide variant.
Coding change: c.538C>T on transcript NM_002241.5 (MANE Select); coding-DNA position 538, C replaced by T.
Protein change: p.Arg180Cys; replaces arginine 180 with cysteine.
Molecular consequence: missense variant.
Genome position (GRCh38, 1-based): chr1:160,041,995, G>A on the plus strand (C>T on the coding strand, the complement: KCNJ10 is on the minus strand). VCF-style: chr1-160041995-G-A. GRCh37 (hg19) VCF-style: chr1-160011785-G-A.
Other names: c.538C>T (NM_002241.4); short protein forms R180C.
Identifiers: ClinVar variation 1362565 (VCV001362565.7), dbSNP rs557187094, ClinGen allele CA1193236.